The following is an entry in ClinVar:

NM_018328.5(MBD5):c.-973G>A

Genes: MBD5 (methyl-CpG binding domain protein 5; plus strand), ORC4 (origin recognition complex subunit 4; minus strand). Cytogenetic location: 2q23.1.
Variant type: single nucleotide variant.
Coding change: c.-973G>A on transcript NM_018328.5; 973 bases upstream of the start codon, G replaced by A.
Molecular consequence: 5 prime UTR variant. On other transcripts: intron variant (1).
Genome position (GRCh38, 1-based): chr2:148,021,035, G>A. VCF-style: chr2-148021035-G-A. GRCh37 (hg19) VCF-style: chr2-148778604-G-A.
Other names: c.-936G>A (NM_001438862.1); c.-18+413C>T (NM_181742.4).
Identifiers: ClinVar variation 517739 (VCV000517739.3), dbSNP rs528390918, ClinGen allele CA58192135.

ClinVar aggregate classification (germline): Likely benign (1 of 4 stars; one submission).

Allele frequency attached by ClinVar (database versions not stated): TOPMed 0.00003.

Submission:

GeneDx
Classification: Likely benign. Last evaluated: 2017-02-10. Review status: criteria provided, single submitter. Criteria: GeneDx Variant Classification (06012015). Collection method: clinical testing. Allele origin: germline. Affected: yes.
Comment: This variant is considered likely benign or benign based on one or more of the following criteria: it is a conservative change, it occurs at a poorly conserved position in the protein, it is predicted to be benign by multiple in silico algorithms, and/or has population frequency not consistent with disease.